The following is an entry in ClinVar:

ClinVar aggregate classification (germline): Uncertain significance (1 of 4 stars; one submission).

Submission:

ARUP Laboratories, Molecular Genetics and Genomics, ARUP Laboratories
Classification: Uncertain significance. Last evaluated: 2018-03-25. Review status: criteria provided, single submitter. Criteria: ARUP Molecular Germline Variant Investigation Process. Collection method: clinical testing. Allele origin: germline.
Comment: The ABCC9 c.2848A>T; p.Met950Leu variant, to our knowledge, is not reported in the medical literature, gene specific variation databases, nor has it been previously identified by our laboratory. This variant is absent from the general population databases (1000 Genomes Project, Exome Variant Server, Genome Aggregation Database), indicating it is not a common polymorphism. The methionine at position 950 is weakly conserved, considering 12 species, and computational analyses of the effects of the p.Met950Leu variant on protein structure and function do not predict a deleterious effect (SIFT: tolerated , PolyPhen-2: benign). Based on the available information, the clinical significance of the p.Met950Leu variant cannot be determined with certainty.

NM_020297.4(ABCC9):c.2848A>T (p.Met950Leu)

Gene: ABCC9 (ATP binding cassette subfamily C member 9; minus strand). Cytogenetic location: 12p12.1.
Variant type: single nucleotide variant.
Coding change: c.2848A>T on transcript NM_020297.4 (MANE Select); coding-DNA position 2848, A replaced by T.
Protein change: p.Met950Leu; replaces methionine 950 with leucine.
Molecular consequence: missense variant.
Genome position (GRCh38, 1-based): chr12:21,848,168, T>A on the plus strand (A>T on the coding strand, the complement: ABCC9 is on the minus strand). VCF-style: chr12-21848168-T-A. GRCh37 (hg19) VCF-style: chr12-22001102-T-A.
Other names: c.2848A>T, p.Met950Leu (NM_001377273.1, NM_005691.4); c.1981A>T, p.Met661Leu (NM_001377274.1); short protein forms M950L, M661L.
Identifiers: ClinVar variation 618500 (VCV000618500.8), dbSNP rs1448325219, ClinGen allele CA384121703.